The following is an entry in ClinVar:

ClinVar aggregate classification (germline): Uncertain significance (1 of 4 stars; one submission).

Conditions:
Long QT syndrome (LQTS). Identifiers: MedGen C0023976, MeSH D008133, MONDO:0002442. Disease mechanism: loss of function. Inheritance: Various modes of inheritance.

Submission:

Labcorp Genetics (formerly Invitae), Labcorp
Classification: Uncertain significance for Long QT syndrome. Last evaluated: 2025-02-06. Review status: criteria provided, single submitter. Criteria: Invitae Variant Classification Sherloc (09022015). Collection method: clinical testing. Allele origin: germline.
Comment: This sequence change replaces isoleucine, which is neutral and non-polar, with methionine, which is neutral and non-polar, at codon 3667 of the ANK2 protein (p.Ile3667Met). This variant is not present in population databases (gnomAD no frequency). This variant has not been reported in the literature in individuals affected with ANK2-related conditions. An algorithm developed to predict the effect of missense changes on protein structure and function outputs the following: PolyPhen-2: "Benign". The methionine amino acid residue is found in multiple mammalian species, which suggests that this missense change does not adversely affect protein function. In summary, the available evidence is currently insufficient to determine the role of this variant in disease. Therefore, it has been classified as a Variant of Uncertain Significance.

NM_001148.6(ANK2):c.11001T>G (p.Ile3667Met)

Gene: ANK2 (ankyrin 2; plus strand). Cytogenetic location: 4q26.
Variant type: single nucleotide variant.
Coding change: c.11001T>G on transcript NM_001148.6 (MANE Select); coding-DNA position 11001, T replaced by G.
Protein change: p.Ile3667Met; replaces isoleucine 3667 with methionine.
Molecular consequence: missense variant.
Genome position (GRCh38, 1-based): chr4:113,365,151, T>G. VCF-style: chr4-113365151-T-G. GRCh37 (hg19) VCF-style: chr4-114286307-T-G.
Other names: c.4362T>G, p.Ile1454Met (NM_001386157.1, NM_001354277.2); c.4263T>G, p.Ile1421Met (NM_001386158.1); c.4590T>G, p.Ile1530Met (NM_001386160.1); c.4680T>G, p.Ile1560Met (NM_001386161.1, NM_001354244.2, NM_001354256.2); c.4560T>G, p.Ile1520Met (NM_001386162.1, NM_001354249.2, NM_001354266.2 and 2 more transcripts); c.7401T>G, p.Ile2467Met (NM_001386166.1); c.1146T>G, p.Ile382Met (NM_001386167.1); c.11142T>G, p.Ile3714Met (NM_001386174.1); and 35 more; short protein forms I1421M, I1454M, I1527M, I1535M, I1539M, I1581M, I1586M, I1608M.
Identifiers: ClinVar variation 4777974 (VCV004777974.1).
Genomic context (GRCh38, chr4:113,365,151, plus strand): 5'-TCTCATGGAGACCAACACAGAACCTCTCCAGGAGCGCATCAGTCATAGTTATGCAGAAAT[T>G]GAACAGACCATTACACTGGATCATAGTGAAGGTCAAACTGTGTGTGTGTATGTGTGTGTG-3'
Protein context (NP_001139.3, residues 3657-3677): QERISHSYAE[Ile3667Met]EQTITLDHSE